The following is an entry in ClinVar:

NM_006182.4(DDR2):c.100C>A (p.Leu34Met)

Gene: DDR2 (discoidin domain receptor tyrosine kinase 2; plus strand). Cytogenetic location: 1q23.3.
Variant type: single nucleotide variant.
Coding change: c.100C>A on transcript NM_006182.4 (MANE Select); coding-DNA position 100, C replaced by A.
Protein change: p.Leu34Met; replaces leucine 34 with methionine.
Molecular consequence: missense variant.
Genome position (GRCh38, 1-based): chr1:162,753,112, C>A. VCF-style: chr1-162753112-C-A. GRCh37 (hg19) VCF-style: chr1-162722902-C-A.
Other names: c.100C>A, p.Leu34Met (NM_001014796.3, NM_001354982.2, NM_001354983.2); short protein forms L34M.
Identifiers: ClinVar variation 873755 (VCV000873755.5), dbSNP rs1663295489, ClinGen allele CA343404035.

ClinVar aggregate classification (germline): Uncertain significance. Review status: criteria provided, multiple submitters, no conflicts (2 of 4 stars). 2 submissions from 2 submitters: Uncertain significance (2). Last evaluated 2025-07-09.

Conditions:
Spondyloepimetaphyseal dysplasia-short limb-abnormal calcification syndrome (SMED-SL). Also called: SMED short limb-hand type; SMED type 2; Spondylometaepiphyseal dysplasia short limb-abnormal calcification type; Smed short limb-abnormal calcification type; Spondylometaepiphyseal dysplasia, short limb-hand type; SMED, TYPE II. Identifiers: Orphanet 93358, MedGen C1849011, MONDO:0010077, OMIM 271665.

Allele frequency attached by ClinVar (database versions not stated): gnomAD exomes below 0.00001.
gnomAD v4.1: 3 of 1,613,648 alleles (0.00019%); highest among the groups gnomAD compares: Non-Finnish European, 0.00017%; no homozygotes.

Submissions (2):

Labcorp Genetics (formerly Invitae), Labcorp
Classification: Uncertain significance. Last evaluated: 2025-07-09. Review status: criteria provided, single submitter. Criteria: Invitae Variant Classification Sherloc (09022015). Collection method: clinical testing. Allele origin: germline.
Comment: This sequence change replaces leucine, which is neutral and non-polar, with methionine, which is neutral and non-polar, at codon 34 of the DDR2 protein (p.Leu34Met). This variant is not present in population databases (gnomAD no frequency). This variant has not been reported in the literature in individuals affected with DDR2-related conditions. ClinVar contains an entry for this variant (Variation ID: 873755). An algorithm developed to predict the effect of missense changes on protein structure and function (PolyPhen-2) suggests that this variant is likely to be disruptive. In summary, the available evidence is currently insufficient to determine the role of this variant in disease. Therefore, it has been classified as a Variant of Uncertain Significance.

Illumina Laboratory Services, Illumina
Classification: Uncertain significance for Spondyloepimetaphyseal dysplasia-short limb-abnormal calcification syndrome. Last evaluated: 2018-01-13. Review status: criteria provided, single submitter. Criteria: ICSL Variant Classification Criteria 13 December 2019. Collection method: clinical testing. Allele origin: germline.